The following is an entry in ClinVar:

NM_000377.3(WAS):c.466_469del

Gene: WAS (WASP actin nucleation promoting factor; plus strand). Cytogenetic location: Xp11.23.
Variant type: Microsatellite.
Coding change: c.466_469del on transcript NM_000377.3 (MANE Select); coding-DNA positions 466 to 469, 4 bases deleted (AGAC; older notation c.466_469delAGAC).
Molecular consequence: splice acceptor variant.
Genome position (GRCh38, 1-based): chrX:48,685,948-48,685,951, AGAC deleted; deleting any 4 consecutive bases within chrX:48,685,942-48,685,951 gives the same sequence; the c. name uses the placement nearest the transcript's 3' end. VCF-style (leftmost placement, unchanged base first): chrX-48685941-CACAG-C. GRCh37 (hg19) VCF-style: chrX-48544330-CACAG-C.
Identifiers: ClinVar variation 279917 (VCV000279917.5), ClinGen allele CA10603673.

ClinVar aggregate classification (germline): Pathogenic. Review status: criteria provided, multiple submitters, no conflicts (2 of 4 stars). 2 submissions from 2 submitters: Pathogenic (2). Last evaluated 2022-06-23.

Conditions:
Thrombocytopenia 1. Also called: X-linked thrombocytopenia with normal platelets; THROMBOCYTOPENIA, X-LINKED, 1; X-Linked Thrombocytopenia (XLT). Identifiers: Orphanet 268322, Orphanet 852, MedGen C1839163, MONDO:0010743, OMIM 313900.

Submissions (2):

Laboratorio de Genetica e Diagnostico Molecular, Hospital Israelita Albert Einstein
Classification: Pathogenic for Thrombocytopenia 1. Last evaluated: 2022-06-23. Review status: criteria provided, single submitter. Criteria: ACMG Guidelines, 2015. Collection method: clinical testing. Allele origin: germline. Affected: yes. Observed: 1 variant allele.
Comment: ACMG classification criteria: PVS1 very strong, PS4 supporting, PM2 moderated

GeneDx
Classification: Pathogenic. Last evaluated: 2016-04-21. Review status: criteria provided, single submitter. Criteria: GeneDx Variant Classification (06012015). Collection method: clinical testing. Allele origin: germline. Affected: yes.
Comment: The c.466_469delAGAC pathogenic variant in the WAS gene has been reported previously in association with Wiskott-Aldrich syndrome (Greer et al., 1996). The deletion causes a frameshift starting with codon Arginine 156, changes this amino acid to an Alanine residue and creates a premature Stop codon at position 104 of the new reading frame, denoted p.Arg156AlafsX104. This pathogenic variant is predicted to cause loss of normal protein function either through protein truncation or nonsense-mediated mRNA decay. The variant was not observed in approximately 6,500 individuals of European and African American ancestry in the NHLBI Exome Sequencing Project, indicating it is not a common benign variant in these populations.